The following is an entry in ClinVar:

ClinVar aggregate classification (germline): Uncertain significance (1 of 4 stars; one submission).

Allele frequency attached by ClinVar (database versions not stated): TOPMed below 0.00001; ExAC 0.00001.

Submission:

Labcorp Genetics (formerly Invitae), Labcorp
Classification: Uncertain significance. Last evaluated: 2022-05-31. Review status: criteria provided, single submitter. Criteria: Invitae Variant Classification Sherloc (09022015). Collection method: clinical testing. Allele origin: germline.
Comment: This sequence change replaces glutamic acid, which is acidic and polar, with aspartic acid, which is acidic and polar, at codon 108 of the TELO2 protein (p.Glu108Asp). This variant is present in population databases (rs755679172, gnomAD 0.006%). This variant has not been reported in the literature in individuals affected with TELO2-related conditions. Algorithms developed to predict the effect of missense changes on protein structure and function (SIFT, PolyPhen-2, Align-GVGD) all suggest that this variant is likely to be tolerated. In summary, the available evidence is currently insufficient to determine the role of this variant in disease. Therefore, it has been classified as a Variant of Uncertain Significance.

NM_016111.4(TELO2):c.324G>T (p.Glu108Asp)

Gene: TELO2 (telomere maintenance 2; plus strand). Cytogenetic location: 16p13.3.
Variant type: single nucleotide variant.
Coding change: c.324G>T on transcript NM_016111.4 (MANE Select); coding-DNA position 324, G replaced by T.
Protein change: p.Glu108Asp; replaces glutamic acid 108 with aspartic acid.
Molecular consequence: missense variant.
Genome position (GRCh38, 1-based): chr16:1,494,605, G>T. VCF-style: chr16-1494605-G-T. GRCh37 (hg19) VCF-style: chr16-1544606-G-T.
Other names: c.324G>T, p.Glu108Asp (NM_001351846.2); short protein forms E108D.
Identifiers: ClinVar variation 2047782 (VCV002047782.1), dbSNP rs755679172, ClinGen allele CA7811589.